The following is an entry in ClinVar:

ClinVar aggregate classification (germline): Uncertain significance (1 of 4 stars; one submission).

Conditions:
Multiple congenital exostosis (EXT). Also called: Hereditary multiple exostoses; Hereditary multiple exostosis; Multiple exostoses; Multiple osteochondromas; MULTIPLE CARTILAGINOUS EXOSTOSES; Hereditary multiple osteochondromas. Identifiers: Orphanet 321, MedGen C0015306, MONDO:0005508, HP:0002762.

Allele frequency attached by ClinVar (database versions not stated): gnomAD exomes below 0.00001 and 0.00001; ExAC 0.00001.
gnomAD v4.1: 11 of 1,614,036 alleles (0.00068%); highest among the groups gnomAD compares: South Asian, 0.011%; no homozygotes.

Submission:

Labcorp Genetics (formerly Invitae), Labcorp
Classification: Uncertain significance for Multiple congenital exostosis. Last evaluated: 2021-05-21. Review status: criteria provided, single submitter. Criteria: Invitae Variant Classification Sherloc (09022015). Collection method: clinical testing. Allele origin: germline.
Comment: This variant has not been reported in the literature in individuals with EXT1-related conditions. In summary, the available evidence is currently insufficient to determine the role of this variant in disease. Therefore, it has been classified as a Variant of Uncertain Significance. Algorithms developed to predict the effect of missense changes on protein structure and function (SIFT, PolyPhen-2, Align-GVGD) all suggest that this variant is likely to be tolerated, but these predictions have not been confirmed by published functional studies and their clinical significance is uncertain. This variant is present in population databases (rs755694640, ExAC 0.006%). This sequence change replaces glutamine with lysine at codon 409 of the EXT1 protein (p.Gln409Lys). The glutamine residue is highly conserved and there is a small physicochemical difference between glutamine and lysine.

NM_000127.3(EXT1):c.1225C>A (p.Gln409Lys)

Gene: EXT1 (exostosin glycosyltransferase 1; minus strand). Cytogenetic location: 8q24.11.
Variant type: single nucleotide variant.
Coding change: c.1225C>A on transcript NM_000127.3 (MANE Select); coding-DNA position 1225, C replaced by A.
Protein change: p.Gln409Lys; replaces glutamine 409 with lysine.
Molecular consequence: missense variant.
Genome position (GRCh38, 1-based): chr8:117,830,289, G>T on the plus strand (C>A on the coding strand, the complement: EXT1 is on the minus strand). VCF-style: chr8-117830289-G-T. GRCh37 (hg19) VCF-style: chr8-118842528-G-T.
Other names: short protein forms Q409K.
Identifiers: ClinVar variation 1437145 (VCV001437145.8), dbSNP rs755694640, ClinGen allele CA4854203.